The following is an entry in ClinVar:

ClinVar aggregate classification (germline): Uncertain significance (1 of 4 stars; one submission).

Allele frequency attached by ClinVar (database versions not stated): gnomAD 0.00001; gnomAD exomes 0.00001.

Submission:

Labcorp Genetics (formerly Invitae), Labcorp
Classification: Uncertain significance. Last evaluated: 2023-10-05. Review status: criteria provided, single submitter. Criteria: Invitae Variant Classification Sherloc (09022015). Collection method: clinical testing. Allele origin: germline.
Comment: This sequence change replaces glutamic acid, which is acidic and polar, with lysine, which is basic and polar, at codon 272 of the TFRC protein (p.Glu272Lys). This variant is present in population databases (no rsID available, gnomAD 0.0009%). This variant has not been reported in the literature in individuals affected with TFRC-related conditions. Advanced modeling of protein sequence and biophysical properties (such as structural, functional, and spatial information, amino acid conservation, physicochemical variation, residue mobility, and thermodynamic stability) performed at Invitae indicates that this missense variant is not expected to disrupt TFRC protein function. In summary, the available evidence is currently insufficient to determine the role of this variant in disease. Therefore, it has been classified as a Variant of Uncertain Significance.

NM_001128148.3(TFRC):c.814G>A (p.Glu272Lys)

Gene: TFRC (transferrin receptor; minus strand). Cytogenetic location: 3q29.
Variant type: single nucleotide variant.
Coding change: c.814G>A on transcript NM_001128148.3 (MANE Select); coding-DNA position 814, G replaced by A.
Protein change: p.Glu272Lys; replaces glutamic acid 272 with lysine.
Molecular consequence: missense variant. On other transcripts: 5 prime UTR variant (1).
Genome position (GRCh38, 1-based): chr3:196,068,118, C>T on the plus strand (G>A on the coding strand, the complement: TFRC is on the minus strand). VCF-style: chr3-196068118-C-T. GRCh37 (hg19) VCF-style: chr3-195794989-C-T.
Other names: c.571G>A, p.Glu191Lys (NM_001313965.2); c.-33G>A (NM_001313966.2); c.814G>A, p.Glu272Lys (NM_003234.4); short protein forms E191K, E272K.
Identifiers: ClinVar variation 3012674 (VCV003012674.3), dbSNP rs1159563439, ClinGen allele CA355574234.